The following is an entry in ClinVar:

NM_000448.3(RAG1):c.1181G>A (p.Arg394Gln)

Gene: RAG1 (recombination activating 1; plus strand). Cytogenetic location: 11p12.
Variant type: single nucleotide variant.
Coding change: c.1181G>A on transcript NM_000448.3 (MANE Select); coding-DNA position 1181, G replaced by A.
Protein change: p.Arg394Gln; replaces arginine 394 with glutamine.
Molecular consequence: missense variant.
Genome position (GRCh38, 1-based): chr11:36,574,485, G>A. VCF-style: chr11-36574485-G-A. GRCh37 (hg19) VCF-style: chr11-36596035-G-A.
Other names: NM_000448.3(RAG1):c.1181G>A; p.Arg394Gln; c.1181G>A, p.Arg394Gln (NM_001377277.1, NM_001377278.1, NM_001377279.1 and 1 more transcripts); short protein forms R394Q.
Identifiers: ClinVar variation 863577 (VCV000863577.15), dbSNP rs1850805503, ClinGen allele CA380151740.
Genomic context (GRCh38, chr11:36,574,485, plus strand): 5'-ACCACATCTCAAGTCACAAGGAATCAAAAGAGATTTTTGTGCACATTAATAAAGGGGGCC[G>A]GCCCCGCCAACATCTTCTGTCGCTGACTCGGAGAGCTCAGAAGCACCGGCTGAGGGAGCT-3'
Protein context (NP_000439.2, residues 384-404): EIFVHINKGG[Arg394Gln]PRQHLLSLTR

ClinVar aggregate classification (germline): Likely pathogenic. Review status: reviewed by expert panel (3 of 4 stars). 6 submissions from 6 submitters: Likely pathogenic (1). 5 of the submissions do not count toward it. Last evaluated 2025-10-29.

Conditions:
Severe combined immunodeficiency, autosomal recessive, T cell-negative, B cell-negative, NK cell-positive. Also called: SCID, T CELL-NEGATIVE, B CELL-NEGATIVE, NK CELL-POSITIVE; Severe combined immunodeficiency due to complete RAG1/2 deficiency; SCID, AR, T-cell negative, B-cell negative, NK cell-positive. Identifiers: Orphanet 331206, MedGen C1832322, MONDO:0011086, OMIM 601457.
Combined immunodeficiency with skin granulomas. Identifiers: Orphanet 157949, MedGen C2673536, MONDO:0009306, OMIM 233650.
Recombinase activating gene 1 deficiency. Identifiers: MedGen CN375631, MONDO:0000572.
Severe combined immunodeficiency disease. Also called: Severe Combined Immune Deficiency; Severe combined immunodeficiency. Identifiers: Orphanet 183660, MedGen C0085110, MeSH D016511, MONDO:0015974, HP:0004430. Inheritance: X-Linked or Autosomal recessive.
Combined immunodeficiency due to partial RAG1 deficiency. Identifiers: Orphanet 231154, MedGen C1835931, MONDO:0012359, OMIM 609889.

Allele frequency attached by ClinVar (database versions not stated): gnomAD exomes below 0.00001.

Submissions (6):

ClinGen Severe Combined Immunodeficiency Variant Curation Expert Panel, ClinGen
Classification: Likely pathogenic for Recombinase activating gene 1 deficiency. Last evaluated: 2025-10-29. Review status: reviewed by expert panel. Criteria: ClinGen SCID ACMG Specifications RAG1 V2.1.0. Collection method: curation. Allele origin: germline. Inheritance: Autosomal recessive inheritance.
Comment: The NM_000448.3:c.1181G>A variant in RAG1 is a missense variant predicted to cause substitution of arginine by glutamine at amino acid 394 (p.Arg394Gln). In the gnomAD v4.1.0 database, the GrpMax filtering allele frequency of this variant is 0.00000124, which is lower than the cut-off (<0.000102) determined by the SCID VCEP. No homozygous individual was observed in the database (PM2_Supporting). The variant was identified in at least three individuals with SCID who were homozygous for this variant. Two of the individuals were from a consanguineous family, while the consanguinity of the third individual is not reported (PMID 22424479, PM3). One of these individuals was diagnosed with SCID according to the criteria reported by the IUIS Expert Committee on Primary Immunodeficiencies and showed a T-B-NK+ lymphocyte profile (PMID 22424479, PP4). The variant is located in the NBD domain (amino acid 394-460) of the RAG1 protein, which is critical to the protein function (PM1). An in vitro VDJ recombination activity assay showed that the variant causes a decrease in recombination activity to less than 25% of wildtype activity, supporting a damaging effect on the protein (PMID 24290284, PS3_moderate). Another missense variant p.Arg394Trp in the same codon has been classified as pathogenic for SCID by the ClinGen SCID VCEP (PM5). In summary, this variant meets the criteria to be classified as likely pathogenic for SCID. ACMG/AMP criteria applied, as specified by the ClinGen SCID-VCEP: PP4, PM1, PM2_Supporting, PM3, PM5, PS3_Moderate. (VCEP specifications version 2.1)

Dasa
Classification: Likely pathogenic for Combined immunodeficiency with skin granulomas. Last evaluated: 2025-06-25. Review status: criteria provided, single submitter. Criteria: DASA Assertion Criteria. Collection method: clinical testing. Allele origin: germline. Not counted in ClinVar's aggregate classification.
Comment: NM_000448.3(RAG1):c.1181G>A (p.Arg394Gln) is a missense variant that results in the substitution of arginine with glutamine. The affected residue or protein region has prior evidence supporting clinical relevance. This variant has been recurrently observed in individuals with RAG1-related disorders (PMID: 24290284; PMID: 22424479). Functional evidence supports an impact on the gene or gene product (PMID: 24290284; PMID: 22424479). Also, this variant is rare in population databases. Based on the currently available evidence, this variant is classified as likely pathogenic.

Women's Health and Genetics/Laboratory Corporation of America, LabCorp
Classification: Pathogenic for Severe combined immunodeficiency disease. Last evaluated: 2025-06-12. Review status: criteria provided, single submitter. Criteria: LabCorp Variant Classification Summary - May 2015. Collection method: clinical testing. Allele origin: germline. Not counted in ClinVar's aggregate classification.
Comment: Variant summary: RAG1 c.1181G>A (p.Arg394Gln) results in a conservative amino acid change in the encoded protein sequence. Algorithms developed to predict the effect of missense changes on protein structure and function are either unavailable or do not agree on the potential impact of this missense change. The variant was absent in 250106 control chromosomes (gnomAD). c.1181G>A has been observed in several homozygous individuals affected with Severe Combined Immunodeficiency (e.g., Kutukculer_2012, Lee_2014). These data indicate that the variant is very likely to be associated with disease. At least one publication reports experimental evidence evaluating an impact on protein function, finding that the variant results in <1% of normal recombination activity (Lee_2014). The following publications have been ascertained in the context of this evaluation (PMID: 22424479, 24290284). ClinVar contains an entry for this variant (Variation ID: 863577). Based on the evidence outlined above, the variant was classified as pathogenic.

Labcorp Genetics (formerly Invitae), Labcorp
Classification: Pathogenic for Combined immunodeficiency with skin granulomas; Severe combined immunodeficiency, autosomal recessive, T cell-negative, B cell-negative, NK cell-positive. Last evaluated: 2023-12-07. Review status: criteria provided, single submitter. Criteria: Invitae Variant Classification Sherloc (09022015). Collection method: clinical testing. Allele origin: germline. Not counted in ClinVar's aggregate classification.
Comment: This sequence change replaces arginine, which is basic and polar, with glutamine, which is neutral and polar, at codon 394 of the RAG1 protein (p.Arg394Gln). This variant is not present in population databases (gnomAD no frequency). This missense change has been observed in individuals with severe combined immunodeficiency (PMID: 22424479, 24290284). ClinVar contains an entry for this variant (Variation ID: 863577). Advanced modeling of protein sequence and biophysical properties (such as structural, functional, and spatial information, amino acid conservation, physicochemical variation, residue mobility, and thermodynamic stability) performed at Invitae indicates that this missense variant is not expected to disrupt RAG1 protein function with a negative predictive value of 80%. Experimental studies have shown that this missense change affects RAG1 function (PMID: 24290284). This variant disrupts the p.Arg394 amino acid residue in RAG1. Other variant(s) that disrupt this residue have been determined to be pathogenic (PMID: 16960852, 17572155, 19912631, 24290284, 26476733). This suggests that this residue is clinically significant, and that variants that disrupt this residue are likely to be disease-causing. For these reasons, this variant has been classified as Pathogenic.

Baylor Genetics
Classification: Pathogenic for Combined immunodeficiency due to partial RAG1 deficiency. Last evaluated: 2023-10-11. Review status: criteria provided, single submitter. Criteria: ACMG Guidelines, 2015. Collection method: clinical testing. Allele origin: unknown. Not counted in ClinVar's aggregate classification.

AiLife Diagnostics
Classification: Likely pathogenic. Last evaluated: 2022-03-30. Review status: criteria provided, single submitter. Criteria: ACMG Guidelines, 2015. Collection method: clinical testing. Allele origin: germline. Affected: yes. Observed: 1 variant allele. Not counted in ClinVar's aggregate classification.

Literature cited by the submitters: PubMed 24290284 (cited by 4 submitters); PubMed 22424479 (cited by 4 submitters); PubMed 16960852 (cited by Labcorp Genetics (formerly Invitae), Labcorp); PubMed 17572155 (cited by Labcorp Genetics (formerly Invitae), Labcorp); PubMed 19912631 (cited by Labcorp Genetics (formerly Invitae), Labcorp); PubMed 26476733 (cited by Labcorp Genetics (formerly Invitae), Labcorp).